The following is an entry in ClinVar:

ClinVar aggregate classification (germline): Benign/Likely benign. Review status: criteria provided, multiple submitters, no conflicts (2 of 4 stars). 4 submissions from 4 submitters: Benign (3); Likely benign (1). Last evaluated 2025-10-19.

Conditions:
Hereditary cancer-predisposing syndrome. Also called: Tumor predisposition; Hereditary neoplastic syndrome; Hereditary Cancer Syndrome; Neoplastic Syndromes, Hereditary. Identifiers: Orphanet 140162, MedGen C0027672, MeSH D009386, MONDO:0015356.
Tuberous sclerosis 2 (TSC2). Identifiers: Orphanet 805, MedGen C1860707, MONDO:0013199, OMIM 613254.

Allele frequency attached by ClinVar (database versions not stated): gnomAD exomes 0.00001 and 0.00003; gnomAD 0.00002 and 0.00003; ExAC 0.00003; TOPMed 0.00003; 1000 Genomes Project 30x 0.00016; 1000 Genomes Project 0.00020.
gnomAD v4.1: 21 of 1,612,906 alleles (0.0013%); highest among the groups gnomAD compares: Admixed American, 0.0067%; no homozygotes.

Submissions (4):

Labcorp Genetics (formerly Invitae), Labcorp
Classification: Benign for Tuberous sclerosis 2. Last evaluated: 2025-10-19. Review status: criteria provided, single submitter. Criteria: Invitae Variant Classification Sherloc (09022015). Collection method: clinical testing. Allele origin: germline.

Myriad Genetics, Inc.
Classification: Benign for Tuberous sclerosis 2. Last evaluated: 2025-05-28. Review status: criteria provided, single submitter. Criteria: Myriad Autosomal Dominant, Autosomal Recessive and X-Linked Classification Criteria (2023). Collection method: clinical testing. Allele origin: unknown.
Comment: This variant is considered benign. This variant is a silent/synonymous amino acid change and it is not expected to impact splicing.

Genome-Nilou Lab
Classification: Benign for Tuberous sclerosis 2. Last evaluated: 2021-11-07. Review status: criteria provided, single submitter. Criteria: ACMG Guidelines, 2015. Collection method: clinical testing. Allele origin: germline. Affected: no.

Ambry Genetics
Classification: Likely benign for Hereditary cancer-predisposing syndrome. Last evaluated: 2019-06-11. Review status: criteria provided, single submitter. Criteria: Ambry Variant Classification Scheme 2023. Collection method: clinical testing. Allele origin: germline.

NM_000548.5(TSC2):c.3237G>A (p.Ser1079=)

Gene: TSC2 (TSC complex subunit 2; plus strand). Cytogenetic location: 16p13.3.
Variant type: single nucleotide variant.
Coding change: c.3237G>A on transcript NM_000548.5 (MANE Select); coding-DNA position 3237, G replaced by A.
Protein change: p.Ser1079=; no amino-acid change (serine 1079 retained).
Molecular consequence: synonymous variant.
Genome position (GRCh38, 1-based): chr16:2,079,381, G>A. VCF-style: chr16-2079381-G-A. GRCh37 (hg19) VCF-style: chr16-2129382-G-A.
Other names: c.3105G>A, p.Ser1035= (NM_001077183.3, NM_001370404.1); c.3237G>A, p.Ser1079= (NM_001114382.3); c.2997G>A, p.Ser999= (NM_001318827.2); c.2961G>A, p.Ser987= (NM_001318829.2); c.2505G>A, p.Ser835= (NM_001318831.2); c.3138G>A, p.Ser1046= (NM_001318832.2); c.3108G>A, p.Ser1036= (NM_001363528.2, NM_001370405.1, NM_021055.3).
Identifiers: ClinVar variation 700986 (VCV000700986.18), dbSNP rs572243694, ClinGen allele CA044916.
Genomic context (GRCh38, chr16:2,079,381, plus strand): 5'-CTGGCTGGTTGGGAACAAGCTTGTCACTGTGACGACAAGCGTGGGAACCGGGACCCGGTC[G>A]TTACTAGGCCTGGACTCGGGGGAGCTGCAGTCCGGCCCGGAGTCGAGGTGACTGCACCTT-3'
Protein context (NP_000539.2, residues 1069-1089): VTTSVGTGTR[Ser1079=]LLGLDSGELQ